The following is an entry in ClinVar:

ClinVar aggregate classification (germline): Uncertain significance. Review status: criteria provided, multiple submitters, no conflicts (2 of 4 stars). 2 submissions from 2 submitters: Uncertain significance (2). Last evaluated 2023-02-27.

Allele frequency attached by ClinVar (database versions not stated): gnomAD exomes below 0.00001; ExAC 0.00001; gnomAD 0.00001; TOPMed 0.00001; ESP Exome Variant Server 0.00008.

Submissions (2):

Ambry Genetics
Classification: Uncertain significance. Last evaluated: 2023-02-27. Review status: criteria provided, single submitter. Criteria: Ambry Variant Classification Scheme 2023. Collection method: clinical testing. Allele origin: germline.

Labcorp Genetics (formerly Invitae), Labcorp
Classification: Uncertain significance. Last evaluated: 2022-07-26. Review status: criteria provided, single submitter. Criteria: Invitae Variant Classification Sherloc (09022015). Collection method: clinical testing. Allele origin: germline.
Comment: The frequency data for this variant in the population databases is considered unreliable, as metrics indicate poor data quality at this position in the gnomAD database. This sequence change replaces histidine, which is basic and polar, with tyrosine, which is neutral and polar, at codon 5 of the NDUFAF1 protein (p.His5Tyr). This variant has not been reported in the literature in individuals affected with NDUFAF1-related conditions. ClinVar contains an entry for this variant (Variation ID: 1386399). Algorithms developed to predict the effect of missense changes on protein structure and function output the following: SIFT: "Tolerated"; PolyPhen-2: "Benign"; Align-GVGD: "Class C0". The tyrosine amino acid residue is found in multiple mammalian species, which suggests that this missense change does not adversely affect protein function. In summary, the available evidence is currently insufficient to determine the role of this variant in disease. Therefore, it has been classified as a Variant of Uncertain Significance.

NM_016013.4(NDUFAF1):c.13C>T (p.His5Tyr)

Gene: NDUFAF1 (NADH:ubiquinone oxidoreductase complex assembly factor 1; minus strand). Cytogenetic location: 15q15.1.
Variant type: single nucleotide variant.
Coding change: c.13C>T on transcript NM_016013.4 (MANE Select); coding-DNA position 13, C replaced by T.
Protein change: p.His5Tyr; replaces histidine 5 with tyrosine.
Molecular consequence: missense variant. On other transcripts: non-coding transcript variant (1).
Genome position (GRCh38, 1-based): chr15:41,397,047, G>A on the plus strand (C>T on the coding strand, the complement: NDUFAF1 is on the minus strand). VCF-style: chr15-41397047-G-A. GRCh37 (hg19) VCF-style: chr15-41689245-G-A.
Other names: c.13C>T (NM_016013.2); short protein forms H5Y.
Identifiers: ClinVar variation 1386399 (VCV001386399.7), dbSNP rs370757381, ClinGen allele CA7491410.
Genomic context (GRCh38, chr15:41,397,047, plus strand): 5'-ACAAGGCAGAAGTTGGCTTAGAGAATTTTCTGAGAAAATAAGTACCACGCAGCAATTTGT[G>A]AACCAAAGCCATGGTACAAAAAAATCAAAATGTAAGTTTCTTCCTGGGCTAGCAAGGGCC-3'
Protein context (NP_057097.2, residues 1-15): MALV[His5Tyr]KLLRGTYFLR